The following is an entry in ClinVar:

ClinVar aggregate classification (germline): Likely benign. Review status: criteria provided, multiple submitters, no conflicts (2 of 4 stars). 3 submissions from 3 submitters: Likely benign (3). Last evaluated 2025-11-24.

Conditions:
Inborn genetic diseases. Identifiers: MedGen C0950123, MeSH D030342.

Allele frequency attached by ClinVar (database versions not stated): TOPMed below 0.00001; gnomAD exomes 0.00001.
gnomAD v4.1: 7 of 1,613,408 alleles (0.00043%); highest among the groups gnomAD compares: Non-Finnish European, 0.00059%; no homozygotes.

Submissions (3):

Labcorp Genetics (formerly Invitae), Labcorp
Classification: Likely benign. Last evaluated: 2025-11-24. Review status: criteria provided, single submitter. Criteria: Invitae Variant Classification Sherloc (09022015). Collection method: clinical testing. Allele origin: germline.

CeGaT Center for Human Genetics Tuebingen
Classification: Likely benign. Last evaluated: 2023-08-01. Review status: criteria provided, single submitter. Criteria: CeGaT Center For Human Genetics Tuebingen Variant Classification Criteria Version 2. Collection method: clinical testing. Allele origin: germline. Affected: yes. Observed: 1 variant allele.
Comment: ERCC2: PM2:Supporting, BP4, BP7

Ambry Genetics
Classification: Likely benign for Inborn genetic diseases. Last evaluated: 2022-09-13. Review status: criteria provided, single submitter. Criteria: Ambry Variant Classification Scheme 2023. Collection method: clinical testing. Allele origin: germline.

NM_000400.4(ERCC2):c.1812G>T (p.Val604=)

Gene: ERCC2 (ERCC excision repair 2, TFIIH core complex helicase subunit; minus strand). Cytogenetic location: 19q13.32.
Variant type: single nucleotide variant.
Coding change: c.1812G>T on transcript NM_000400.4 (MANE Select); coding-DNA position 1812, G replaced by T.
Protein change: p.Val604=; no amino-acid change (valine 604 retained).
Molecular consequence: synonymous variant.
Genome position (GRCh38, 1-based): chr19:45,353,102, C>A on the plus strand (G>T on the coding strand, the complement: ERCC2 is on the minus strand). VCF-style: chr19-45353102-C-A. GRCh37 (hg19) VCF-style: chr19-45856360-C-A.
Identifiers: ClinVar variation 1780614 (VCV001780614.29), dbSNP rs1971878802, ClinGen allele CA507818866.